The following is an entry in ClinVar:

NM_003954.5(MAP3K14):c.717G>A (p.Val239=)

Gene: MAP3K14 (mitogen-activated protein kinase kinase kinase 14; minus strand). Cytogenetic location: 17q21.31.
Variant type: single nucleotide variant.
Coding change: c.717G>A on transcript NM_003954.5 (MANE Select); coding-DNA position 717, G replaced by A.
Protein change: p.Val239=; no amino-acid change (valine 239 retained).
Molecular consequence: synonymous variant.
Genome position (GRCh38, 1-based): chr17:45,286,866, C>T on the plus strand (G>A on the coding strand, the complement: MAP3K14 is on the minus strand). VCF-style: chr17-45286866-C-T. GRCh37 (hg19) VCF-style: chr17-43364233-C-T.
Identifiers: ClinVar variation 998596 (VCV000998596.6), dbSNP rs746370078, ClinGen allele CA8614289.
Genomic context (GRCh38, chr17:45,286,866, plus strand): 5'-GGGGAAGGGGTGCGTGGGCAGGGGCAGGGGGCCTCCGTCCTGGGGGTGGTGCAGTTTCCA[C>T]ACGTGGTTCAGACATTGCAAGGGGCTGATCAGTTTGTGGAGTTCTGATCGAGGCAGAGCC-3'
Protein context (NP_003945.2, residues 229-249): LISPLQCLNH[Val239=]WKLHHPQDGG

ClinVar aggregate classification (germline): Uncertain significance (1 of 4 stars; one submission).

Conditions:
NIK deficiency. Also called: Primary immunodeficiency with multifaceted aberrant lymphoid immunity. Identifiers: Orphanet 447731, MedGen C5680065, MONDO:0018642.

Allele frequency attached by ClinVar (database versions not stated): gnomAD exomes below 0.00001 and 0.00001; TOPMed below 0.00001; ExAC 0.00001; gnomAD 0.00001.
gnomAD v4.1: 12 of 1,613,910 alleles (0.00074%); highest among the groups gnomAD compares: Admixed American, 0.0017%; no homozygotes.

Submission:

Labcorp Genetics (formerly Invitae), Labcorp
Classification: Uncertain significance for NIK deficiency. Last evaluated: 2020-08-11. Review status: criteria provided, single submitter. Criteria: Invitae Variant Classification Sherloc (09022015). Collection method: clinical testing. Allele origin: germline.
Comment: This variant is present in population databases (rs746370078, ExAC 0.002%). This variant has not been reported in the literature in individuals with MAP3K14-related conditions. Algorithms developed to predict the effect of sequence changes on RNA splicing suggest that this variant may create or strengthen a splice site, but this prediction has not been confirmed by published transcriptional studies. In summary, the available evidence is currently insufficient to determine the role of this variant in disease. Therefore, it has been classified as a Variant of Uncertain Significance. This sequence change affects codon 239 of the MAP3K14 mRNA. It is a 'silent' change, meaning that it does not change the encoded amino acid sequence of the MAP3K14 protein.